The following is an entry in ClinVar:

ClinVar aggregate classification (germline): Likely benign (1 of 4 stars; one submission).

Allele frequency attached by ClinVar (database versions not stated): 1000 Genomes Project 30x 0.00265; gnomAD 0.00274 and 0.00293; 1000 Genomes Project 0.00280; TOPMed 0.00298.
gnomAD v4.1: 825 of 1,593,930 alleles (0.052%); highest among the groups gnomAD compares: African/African-American, 0.97%; 4 homozygotes.

Submission:

GeneDx
Classification: Likely benign. Last evaluated: 2018-06-16. Review status: criteria provided, single submitter. Criteria: GeneDx Variant Classification (06012015). Collection method: clinical testing. Allele origin: germline. Affected: yes.
Comment: This variant is considered likely benign or benign based on one or more of the following criteria: it is a conservative change, it occurs at a poorly conserved position in the protein, it is predicted to be benign by multiple in silico algorithms, and/or has population frequency not consistent with disease.

NM_001458.5(FLNC):c.6209-68G>A

Genes: FLNC (filamin C; plus strand), FLNC-AS1 (FLNC antisense RNA 1; minus strand). Cytogenetic location: 7q32.1.
Variant type: single nucleotide variant.
Coding change: c.6209-68G>A on transcript NM_001458.5 (MANE Select); 68 bases into the intron before coding-DNA position 6209, G replaced by A.
Molecular consequence: intron variant.
Genome position (GRCh38, 1-based): chr7:128,853,401, G>A. VCF-style: chr7-128853401-G-A. GRCh37 (hg19) VCF-style: chr7-128493455-G-A.
Other names: c.6110-68G>A (NM_001127487.2).
Identifiers: ClinVar variation 679404 (VCV000679404.1), dbSNP rs148146624, ClinGen allele CA166190540.